The following is an entry in ClinVar:

ClinVar aggregate classification (germline): Conflicting classifications of pathogenicity. Review status: criteria provided, conflicting classifications (1 of 4 stars). 3 submissions from 3 submitters: Uncertain significance (2); Likely benign (1). Last evaluated 2024-07-19.

Conditions:
Hypertrophic cardiomyopathy 14. Identifiers: MedGen C2750467, MONDO:0013197, OMIM 613251.

Allele frequency attached by ClinVar (database versions not stated): gnomAD exomes 0.00001.
gnomAD v4.1: 7 of 1,613,124 alleles (0.00043%); highest among the groups gnomAD compares: Non-Finnish European, 0.00059%; no homozygotes.

Submissions (3):

Labcorp Genetics (formerly Invitae), Labcorp
Classification: Uncertain significance for Hypertrophic cardiomyopathy 14. Last evaluated: 2024-07-19. Review status: criteria provided, single submitter. Criteria: Invitae Variant Classification Sherloc (09022015). Collection method: clinical testing. Allele origin: germline.
Comment: This sequence change replaces glutamic acid, which is acidic and polar, with glutamine, which is neutral and polar, at codon 1417 of the MYH6 protein (p.Glu1417Gln). This variant is present in population databases (no rsID available, gnomAD 0.002%). This variant has not been reported in the literature in individuals affected with MYH6-related conditions. ClinVar contains an entry for this variant (Variation ID: 407148). Advanced modeling of protein sequence and biophysical properties (such as structural, functional, and spatial information, amino acid conservation, physicochemical variation, residue mobility, and thermodynamic stability) performed at Invitae indicates that this missense variant is not expected to disrupt MYH6 protein function with a negative predictive value of 80%. Algorithms developed to predict the effect of sequence changes on RNA splicing suggest that this variant may create or strengthen a splice site. In summary, the available evidence is currently insufficient to determine the role of this variant in disease. Therefore, it has been classified as a Variant of Uncertain Significance.

Blueprint Genetics
Classification: Likely benign. Last evaluated: 2023-10-09. Review status: criteria provided, single submitter. Criteria: ACMG Guidelines, 2015. Collection method: clinical testing. Allele origin: germline.

GeneDx
Classification: Uncertain significance. Last evaluated: 2020-02-25. Review status: criteria provided, single submitter. Criteria: GeneDx Variant Classification Process June 2021. Collection method: clinical testing. Allele origin: germline. Affected: yes.
Comment: Not observed at a significant frequency in large population cohorts (Lek et al., 2016); In silico analysis supports that this missense variant does not alter protein structure/function; Has not been previously published as pathogenic or benign to our knowledge

NM_002471.4(MYH6):c.4249G>C (p.Glu1417Gln)

Gene: MYH6 (myosin heavy chain 6; minus strand). Cytogenetic location: 14q11.2.
Variant type: single nucleotide variant.
Coding change: c.4249G>C on transcript NM_002471.4 (MANE Select); coding-DNA position 4249, G replaced by C.
Protein change: p.Glu1417Gln; replaces glutamic acid 1417 with glutamine.
Molecular consequence: missense variant.
Genome position (GRCh38, 1-based): chr14:23,388,265, C>G on the plus strand (G>C on the coding strand, the complement: MYH6 is on the minus strand). VCF-style: chr14-23388265-C-G. GRCh37 (hg19) VCF-style: chr14-23857474-C-G.
Other names: short protein forms E1417Q.
Identifiers: ClinVar variation 407148 (VCV000407148.9), dbSNP rs1060501426, ClinGen allele CA16614133.